The following is an entry in ClinVar:

ClinVar aggregate classification (germline): Benign/Likely benign. Review status: criteria provided, multiple submitters, no conflicts (2 of 4 stars). 9 submissions from 9 submitters: Benign (3); Likely benign (5). 1 of the submissions does not count toward it. Last evaluated 2026-02-01.

Conditions:
TMPO-related disorder. Also called: TMPO-related condition.
Loeys-Dietz syndrome 2 (LDS2). Also called: TGFBR2-Related Loeys-Dietz Syndrome; Marfan syndrome, type 2 (formerly); AORTIC ANEURYSM, FAMILIAL THORACIC 3; MARFAN SYNDROME, TYPE II; Marfan Syndrome type 2; Marfan like connective tissue disorder. Identifiers: Orphanet 284973, Orphanet 558, MedGen C2674574, MONDO:0012427, OMIM 610168.

Allele frequency attached by ClinVar (database versions not stated): 1000 Genomes Project 0.00180; 1000 Genomes Project 30x 0.00203; ExAC 0.00235; gnomAD 0.00255 and 0.00284; gnomAD exomes 0.00280 and 0.00444; ESP Exome Variant Server 0.00292; TOPMed 0.00325.
gnomAD v4.1: 6,942 of 1,613,804 alleles (0.43%); highest among the groups gnomAD compares: Non-Finnish European, 0.51%; 19 homozygotes.

Submissions (9):

Labcorp Genetics (formerly Invitae), Labcorp
Classification: Benign for Loeys-Dietz syndrome 2. Last evaluated: 2026-02-01. Review status: criteria provided, single submitter. Criteria: Invitae Variant Classification Sherloc (09022015). Collection method: clinical testing. Allele origin: germline.

CeGaT Center for Human Genetics Tuebingen
Classification: Likely benign. Last evaluated: 2024-11-01. Review status: criteria provided, single submitter. Criteria: CeGaT Center For Human Genetics Tuebingen Variant Classification Criteria Version 2. Collection method: clinical testing. Allele origin: germline. Affected: yes. Observed: 1 variant allele.
Comment: TMPO: BP4, BS2

GeneDx
Classification: Benign. Last evaluated: 2021-04-30. Review status: criteria provided, single submitter. Criteria: GeneDx Variant Classification Process June 2021. Collection method: clinical testing. Allele origin: germline. Affected: yes.
Comment: This variant is associated with the following publications: (PMID: 23861362, 27662471, 28798025)

Women's Health and Genetics/Laboratory Corporation of America, LabCorp
Classification: Benign. Last evaluated: 2018-06-25. Review status: criteria provided, single submitter. Criteria: LabCorp Variant Classification Summary - May 2015. Collection method: clinical testing. Allele origin: germline.
Comment: Variant summary: TMPO c.821G>A (p.Arg274Lys) results in a conservative amino acid change in the encoded protein sequence. Five of five in-silico tools predict a benign effect of the variant on protein function. The variant allele was found at a frequency of 0.0027 in 277018 control chromosomes (gnomAD). The observed variant frequency is approximately 109-folds higher than the estimated maximal expected allele frequency for a pathogenic variant in TMPO causing Cardiomyopathy phenotype (2.5e-05), strongly suggesting that the variant is benign. The variant, c.821G>A, has been reported in the literature in individuals affected with Cardiomyopathy (Kostareva_2016, Miszalski-Jamka_2017). These report(s) do not provide unequivocal conclusions about association of the variant with Cardiomyopathy. To our knowledge, no experimental evidence demonstrating an impact on protein function has been reported. Four ClinVar submissions from clinical diagnostic laboratories (evaluation after 2014) cite the variant as "likely benign." Based on the evidence outlined above, the variant was classified as benign.

Ambry Genetics
Classification: Likely benign. Last evaluated: 2018-04-13. Review status: criteria provided, single submitter. Criteria: Ambry Variant Classification Scheme 2023. Collection method: clinical testing. Allele origin: germline.

Biesecker Lab/Clinical Genomics Section, National Institutes of Health
Classification: Likely benign. Last evaluated: 2013-06-24. Review status: criteria provided, single submitter. Criteria: Ng et al. (Circ Cardiovasc Genet. 2013). Collection method: research. Allele origin: unknown. Observed: 4 variant alleles. Study: ClinSeq.
Comment: The study set was not selected for affection status in relation to any cancer. Pathogenicity categories were based on literature curation. See Pubmed ID:23861362 for details.

Medical sequencing

Laboratory for Molecular Medicine, Mass General Brigham Personalized Medicine
Classification: Likely benign. Last evaluated: 2012-03-19. Review status: criteria provided, single submitter. Criteria: LMM Criteria. Collection method: clinical testing. Allele origin: germline. Observed: 5 variant alleles.
Comment: p.Arg274Lys in exon 4 of TMPO: This variant is not expected to have clinical sig nificance because it has been identified in 0.4% (30/7020) of European American chromosomes by the NHLBI Exome Sequencing Project (EVS; dbSNP rs139700737).

Breakthrough Genomics
Classification: Likely benign. Review status: criteria provided, single submitter. Criteria: ACMG Guidelines, 2015. Collection method: not provided. Allele origin: germline. Inheritance: Unknown mechanism. Affected: yes.

PreventionGenetics, part of Exact Sciences
Classification: Likely benign for TMPO-related condition. Last evaluated: 2020-12-15. Review status: no assertion criteria provided. Collection method: clinical testing. Allele origin: germline. Not counted in ClinVar's aggregate classification.
Comment: This variant is classified as likely benign based on ACMG/AMP sequence variant interpretation guidelines (Richards et al. 2015 PMID: 25741868, with internal and published modifications).

Literature cited by the submitters: PubMed 27662471 (cited by Women's Health and Genetics/Laboratory Corporation of America, LabCorp); PubMed 28798025 (cited by Women's Health and Genetics/Laboratory Corporation of America, LabCorp).

NM_001032283.3(TMPO):c.565+1240G>A

Gene: TMPO (thymopoietin; plus strand). Cytogenetic location: 12q23.1.
Variant type: single nucleotide variant.
Coding change: c.565+1240G>A on transcript NM_001032283.3 (MANE Select); 1240 bases into the intron after coding-DNA position 565, G replaced by A.
Molecular consequence: intron variant. On other transcripts: missense variant (1).
Genome position (GRCh38, 1-based): chr12:98,533,078, G>A. VCF-style: chr12-98533078-G-A. GRCh37 (hg19) VCF-style: chr12-98926856-G-A.
Other names: c.821G>A, p.Arg274Lys (NM_003276.2); c.565+1240G>A (NM_001307975.2, NM_001032284.3); short protein forms R274K.
Identifiers: ClinVar variation 44673 (VCV000044673.76), dbSNP rs139700737, ClinGen allele CA134832.
Genomic context (GRCh38, chr12:98,533,078, plus strand): 5'-AGCCTCTTGTTGCCACAAACTTGCCTGGCAGGGGACAGTTGCAGAAGTTAGCCTCTGAAA[G>A]GAATTTGTTTATTTCATGCAAGTCTAGCCATGATAGGTGTTTAGAGAAAAGTTCTTCGTC-3'